The following is an entry in ClinVar:

ClinVar aggregate classification (germline): Pathogenic. Review status: reviewed by expert panel (3 of 4 stars). 3 submissions from 3 submitters: Pathogenic (1). 2 of the submissions do not count toward it. Last evaluated 2023-04-05.

Conditions:
Familial cancer of breast. Also called: Hereditary breast cancer; hereditary breast carcinoma; BREAST CANCER, FAMILIAL. Identifiers: Orphanet 227535, MedGen C0346153, MONDO:0016419, OMIM 114480. Disease mechanism: loss of function.
Hereditary cancer-predisposing syndrome. Also called: Tumor predisposition; Neoplastic Syndromes, Hereditary; Hereditary Cancer Syndrome; Hereditary neoplastic syndrome. Identifiers: Orphanet 140162, MedGen C0027672, MeSH D009386, MONDO:0015356.
PALB2-related cancer predisposition. Identifiers: MedGen CN377761, MONDO:0700272.

Submissions (3):

ClinGen Hereditary Breast, Ovarian and Pancreatic Cancer Variant Curation Expert Panel, ClinGen
Classification: Pathogenic for PALB2-related cancer predisposition. Last evaluated: 2023-04-05. Review status: reviewed by expert panel. Criteria: ClinGen HBOP VCEP ACMG Specifications PALB2 V1.0.0. Collection method: curation. Allele origin: germline. Inheritance: Autosomal dominant inheritance.
Comment: The c.2787_2788dup (p.Asn930Ilefs*6) variant in PALB2 is a frameshift variant predicted to cause a premature stop codon in biologically-relevant exon 8 leading to nonsense mediated decay in a gene in which loss-of-function is an established disease mechanism. This variant is absent in gnomAD v2.1.1. This alteration results in a termination codon upstream of the most C-terminus pathogenic alteration (PALB2 p.Tyr1183*) as classified by the HBOP VCEP, and is expected to be more deleterious. In summary, this variant meets criteria to be classified as pathogenic for autosomal dominant hereditary breast and pancreatic cancer and autosomal recessive FANCN based on the ACMG/AMP criteria applied as specified by the HBOP VCEP. (PVS1, PM2_Supporting, PM5_Supporting)

Labcorp Genetics (formerly Invitae), Labcorp
Classification: Pathogenic for Familial cancer of breast. Last evaluated: 2021-11-17. Review status: criteria provided, single submitter. Criteria: Invitae Variant Classification Sherloc (09022015). Collection method: clinical testing. Allele origin: germline. Not counted in ClinVar's aggregate classification.
Comment: For these reasons, this variant has been classified as Pathogenic. This variant has not been reported in the literature in individuals affected with PALB2-related conditions. This variant is not present in population databases (gnomAD no frequency). This sequence change creates a premature translational stop signal (p.Asn930Ilefs*6) in the PALB2 gene. It is expected to result in an absent or disrupted protein product. Loss-of-function variants in PALB2 are known to be pathogenic (PMID: 17200668, 17200671, 17200672, 24136930, 25099575).

Ambry Genetics
Classification: Pathogenic for Hereditary cancer-predisposing syndrome. Last evaluated: 2021-09-03. Review status: criteria provided, single submitter. Criteria: Ambry Variant Classification Scheme 2023. Collection method: clinical testing. Allele origin: germline. Not counted in ClinVar's aggregate classification.
Comment: The c.2787_2788dupTA pathogenic mutation, located in coding exon 8 of the PALB2 gene, results from a duplication of TA at nucleotide position 2787, causing a translational frameshift with a predicted alternate stop codon (p.N930Ifs*6). This variant is considered to be rare based on population cohorts in the Genome Aggregation Database (gnomAD). This alteration is expected to result in loss of function by premature protein truncation or nonsense-mediated mRNA decay. As such, this alteration is interpreted as a disease-causing mutation.

Literature cited by the submitters: PubMed 17200668 (cited by Labcorp Genetics (formerly Invitae), Labcorp); PubMed 17200671 (cited by Labcorp Genetics (formerly Invitae), Labcorp); PubMed 17200672 (cited by Labcorp Genetics (formerly Invitae), Labcorp); PubMed 24136930 (cited by Labcorp Genetics (formerly Invitae), Labcorp); PubMed 25099575 (cited by Labcorp Genetics (formerly Invitae), Labcorp).

NM_024675.4(PALB2):c.2787_2788dup (p.Asn930fs)

Gene: PALB2 (partner and localizer of BRCA2; minus strand). Cytogenetic location: 16p12.2.
Variant type: Microsatellite.
Coding change: c.2787_2788dup on transcript NM_024675.4 (MANE Select); coding-DNA positions 2787 to 2788, 2 bases duplicated (TA; older notation c.2787_2788dupTA).
Protein change: p.Asn930fs; shifts the reading frame from asparagine 930.
Molecular consequence: frameshift variant.
Genome position (GRCh38, 1-based): chr16:23,624,055-23,624,056, TA duplicated on the plus strand (TA on the coding strand, the reverse complement: PALB2 is on the minus strand); duplicating any 2 consecutive bases within chr16:23,624,055-23,624,058 gives the same sequence; the c. name uses the placement nearest the transcript's 3' end. VCF-style (leftmost placement, unchanged base first): chr16-23624054-T-TTA. GRCh37 (hg19) VCF-style: chr16-23635375-T-TTA.
Other names: NM_024675.4:c.2787_2788dup; short protein forms N930fs.
Identifiers: ClinVar variation 1453402 (VCV001453402.10), dbSNP rs587776418, ClinGen allele CA915941070.